The following is an entry in ClinVar:

NM_001375405.1(CEP120):c.916G>A (p.Glu306Lys)

Gene: CEP120 (centrosomal protein 120; minus strand). Cytogenetic location: 5q23.2.
Variant type: single nucleotide variant.
Coding change: c.916G>A on transcript NM_001375405.1 (MANE Select); coding-DNA position 916, G replaced by A.
Protein change: p.Glu306Lys; replaces glutamic acid 306 with lysine.
Molecular consequence: missense variant. On other transcripts: non-coding transcript variant (1).
Genome position (GRCh38, 1-based): chr5:123,391,232, C>T on the plus strand (G>A on the coding strand, the complement: CEP120 is on the minus strand). VCF-style: chr5-123391232-C-T. GRCh37 (hg19) VCF-style: chr5-122726926-C-T.
Other names: c.838G>A, p.Glu280Lys (NM_001166226.2); c.916G>A, p.Glu306Lys (NM_001375406.1, NM_001375407.1, NM_153223.4); c.343G>A, p.Glu115Lys (NM_001375408.1, NM_001375409.1); c.916G>A (NM_153223.3); short protein forms E280K, E115K, E306K.
Identifiers: ClinVar variation 1433888 (VCV001433888.6), dbSNP rs777630050, ClinGen allele CA3387102.

ClinVar aggregate classification (germline): Uncertain significance. Review status: criteria provided, multiple submitters, no conflicts (2 of 4 stars). 2 submissions from 2 submitters: Uncertain significance (2). Last evaluated 2023-06-29.

Conditions:
Inborn genetic diseases. Identifiers: MedGen C0950123, MeSH D030342.
Short-rib thoracic dysplasia 13 with or without polydactyly (SRTD13). Identifiers: Orphanet 474, MedGen C4225378, MONDO:0014577, OMIM 616300.

Allele frequency attached by ClinVar (database versions not stated): gnomAD 0.00001; gnomAD exomes 0.00001 and 0.00002; TOPMed 0.00001; ExAC 0.00002.
gnomAD v4.1: 24 of 1,613,956 alleles (0.0015%); highest among the groups gnomAD compares: East Asian, 0.0022%; no homozygotes.

Submissions (2):

Ambry Genetics
Classification: Uncertain significance for Inborn genetic diseases. Last evaluated: 2023-06-29. Review status: criteria provided, single submitter. Criteria: Ambry Variant Classification Scheme 2023. Collection method: clinical testing. Allele origin: germline.

Labcorp Genetics (formerly Invitae), Labcorp
Classification: Uncertain significance for Short-rib thoracic dysplasia 13 with or without polydactyly. Last evaluated: 2021-08-24. Review status: criteria provided, single submitter. Criteria: Invitae Variant Classification Sherloc (09022015). Collection method: clinical testing. Allele origin: germline.
Comment: This sequence change replaces glutamic acid with lysine at codon 306 of the CEP120 protein (p.Glu306Lys). The glutamic acid residue is highly conserved and there is a small physicochemical difference between glutamic acid and lysine. This variant is present in population databases (rs777630050, ExAC 0.003%). This variant has not been reported in the literature in individuals affected with CEP120-related conditions. Algorithms developed to predict the effect of missense changes on protein structure and function are either unavailable or do not agree on the potential impact of this missense change (SIFT: "Deleterious"; PolyPhen-2: "Probably Damaging"; Align-GVGD: "Class C0"). In summary, the available evidence is currently insufficient to determine the role of this variant in disease. Therefore, it has been classified as a Variant of Uncertain Significance.